The following is an entry in ClinVar:

NM_000540.3(RYR1):c.11049GGA[6] (p.Glu3689dup)

Gene: RYR1 (ryanodine receptor 1; plus strand). Cytogenetic location: 19q13.2.
Variant type: Microsatellite.
Coding change: c.11049GGA[6] on transcript NM_000540.3 (MANE Select); six copies in a row of the 3-base unit GGA starting at c.11049; the reference has five copies in a row; one copy, 3 bases duplicated; also written c.11061_11063dup.
Protein change: p.Glu3689dup; duplicates glutamic acid 3689.
Molecular consequence: inframe insertion.
Genome position (GRCh38, 1-based): chr19:38,528,977-38,528,979, GGA duplicated; duplicating any 3 consecutive bases within chr19:38,528,964-38,528,979 gives the same sequence; the position shown is the placement nearest the transcript's 3' end. VCF-style (leftmost placement, unchanged base first): chr19-38528963-C-CAGG. GRCh37 (hg19) VCF-style: chr19-39019603-C-CAGG.
Other names: c.11061_11063dup (NM_000540.3); c.11034GGA[6], p.Glu3684dup (NM_001042723.2).
Identifiers: ClinVar variation 1425592 (VCV001425592.7), dbSNP rs760784102, ClinGen allele CA9415922.
Genomic context (GRCh38, chr19:38,528,963, plus strand): 5'-GGAGGGGACTCTAGAAACCCTCTCCCCAAGTCTCCCCTCTCCCACCAGAAAGCTGGGGAG[C>CAGG]AGGAGGAGGAGGAGGAAGAGGTGGAAGAGAAGAAGCCAGACCCCCTGCACCAGTTGGTCC-3'

ClinVar aggregate classification (germline): Uncertain significance. Review status: criteria provided, multiple submitters, no conflicts (2 of 4 stars). 3 submissions from 3 submitters: Uncertain significance (3). Last evaluated 2023-12-18.

Conditions:
Malignant hyperthermia, susceptibility to, 1 (MHS1). Also called: Anesthesia related hyperthermia; Malignant hyperpyrexia; Fulminating hyperpyrexia; Pharmacogenic myopathy; Malignant hyperthermia suceptibility 1; RYR1-Related Malignant Hyperthermia Susceptibility. Identifiers: Orphanet 423, MedGen C2930980, MONDO:0007783, OMIM 145600.
RYR1-related disorder. Also called: RYR1-related disorders; RYR1-related condition. Identifiers: MedGen CN239331.

Submissions (3):

All of Us Research Program, National Institutes of Health
Classification: Uncertain significance for Malignant hyperthermia, susceptibility to, 1. Last evaluated: 2023-12-18. Review status: criteria provided, single submitter. Criteria: ACMG Guidelines, 2015. Collection method: clinical testing. Allele origin: germline. Inheritance: Autosomal dominant inheritance. Observed: 2 variant alleles, 2 heterozygotes.
Comment: This variant causes the in-frame insertion of one amino acid in the RYR1 protein. To our knowledge, functional studies have not been reported for this variant. This variant has not been reported in individuals affected with RYR1-related disorders in the literature. This variant has been identified in 5/217000 chromosomes in the general population by the Genome Aggregation Database (gnomAD). The available evidence is insufficient to determine the role of this variant in disease conclusively. Therefore, this variant is classified as a Variant of Uncertain Significance.

This study involves interpretation of variants in research participants for the purpose of population health screening. Participant phenotype was not available at the time of variant classification. Additional details can be found in publication PMID: 35346344, PMCID: PMC8962531

Color Diagnostics, LLC DBA Color Health
Classification: Uncertain significance for Malignant hyperthermia, susceptibility to, 1. Last evaluated: 2023-09-08. Review status: criteria provided, single submitter. Criteria: ACMG Guidelines, 2015. Collection method: clinical testing. Allele origin: germline.
Comment: This variant causes the in-frame insertion of one amino acid in the RYR1 protein. To our knowledge, functional studies have not been reported for this variant. This variant has not been reported in individuals affected with RYR1-related disorders in the literature. This variant has been identified in 5/217000 chromosomes in the general population by the Genome Aggregation Database (gnomAD). The available evidence is insufficient to determine the role of this variant in disease conclusively. Therefore, this variant is classified as a Variant of Uncertain Significance.

Labcorp Genetics (formerly Invitae), Labcorp
Classification: Uncertain significance for RYR1-related disorder. Last evaluated: 2022-09-24. Review status: criteria provided, single submitter. Criteria: Invitae Variant Classification Sherloc (09022015). Collection method: clinical testing. Allele origin: germline.
Comment: This variant, c.11061_11063dup, results in the insertion of 1 amino acid(s) of the RYR1 protein (p.Glu3689dup), but otherwise preserves the integrity of the reading frame. This variant is present in population databases (rs760784102, gnomAD 0.02%). This variant has not been reported in the literature in individuals affected with RYR1-related conditions. Experimental studies and prediction algorithms are not available or were not evaluated, and the functional significance of this variant is currently unknown. In summary, the available evidence is currently insufficient to determine the role of this variant in disease. Therefore, it has been classified as a Variant of Uncertain Significance.